The following is an entry in ClinVar:

ClinVar aggregate classification (germline): Uncertain significance. Review status: criteria provided, single submitter (1 of 4 stars). 2 submissions from 1 submitter: Uncertain significance (2). Last evaluated 2017-04-28.

Conditions:
Atrial fibrillation, familial, 4 (ATFB4). Identifiers: MedGen C1862394, MONDO:0012677, OMIM 611493.
Long QT syndrome 6 (LQT6). Identifiers: Orphanet 101016, Orphanet 768, MedGen C3150953, MONDO:0013370, OMIM 613693.

Allele frequency attached by ClinVar (database versions not stated): gnomAD exomes below 0.00001; TOPMed below 0.00001; ExAC 0.00001; gnomAD 0.00001.
gnomAD v4.1: 3 of 1,614,130 alleles (0.00019%); highest among the groups gnomAD compares: African/African-American, 0.004%; no homozygotes.

Submissions (2):

Illumina Laboratory Services, Illumina
Classification: Uncertain significance for Atrial fibrillation, familial, 4. Last evaluated: 2017-04-28. Review status: criteria provided, single submitter. Criteria: ICSL Variant Classification Criteria 13 December 2019. Collection method: clinical testing. Allele origin: germline.

Illumina Laboratory Services, Illumina
Classification: Uncertain significance for Long QT syndrome 6. Last evaluated: 2017-04-28. Review status: criteria provided, single submitter. Criteria: ICSL Variant Classification Criteria 13 December 2019. Collection method: clinical testing. Allele origin: germline.
Comment: This variant was observed as part of a predisposition screen in an ostensibly healthy population. A literature search was performed for the gene, cDNA change, and amino acid change (where applicable). Publications were found based on this search. However, the evidence from the literature, in combination with allele frequency data from public databases where available, was not sufficient to rule this variant in or out of causing disease. Therefore, this variant is classified as a variant of unknown significance.

Literature cited by the submitters: PubMed 16922724.

NM_172201.2(KCNE2):c.178T>A (p.Phe60Ile)

Genes: KCNE2 (potassium voltage-gated channel subfamily E regulatory subunit 2; plus strand), LOC105372791 (uncharacterized LOC105372791; minus strand). Cytogenetic location: 21q22.11.
Variant type: single nucleotide variant.
Coding change: c.178T>A on transcript NM_172201.2 (MANE Select); coding-DNA position 178, T replaced by A.
Protein change: p.Phe60Ile; replaces phenylalanine 60 with isoleucine.
Molecular consequence: missense variant.
Genome position (GRCh38, 1-based): chr21:34,370,656, T>A. VCF-style: chr21-34370656-T-A. GRCh37 (hg19) VCF-style: chr21-35742955-T-A.
Other names: short protein forms F60I.
Identifiers: ClinVar variation 898248 (VCV000898248.4), dbSNP rs16991654, ClinGen allele CA10013421.